The following is an entry in ClinVar:

NM_000153.4(GALC):c.15A>G (p.Leu5=)

Gene: GALC (galactosylceramidase; minus strand). Cytogenetic location: 14q31.3.
Variant type: single nucleotide variant.
Coding change: c.15A>G on transcript NM_000153.4 (MANE Select); coding-DNA position 15, A replaced by G.
Protein change: p.Leu5=; no amino-acid change (leucine 5 retained).
Molecular consequence: synonymous variant. On other transcripts: intron variant (1).
Genome position (GRCh38, 1-based): chr14:87,993,150, T>C on the plus strand (A>G on the coding strand, the complement: GALC is on the minus strand). VCF-style: chr14-87993150-T-C. GRCh37 (hg19) VCF-style: chr14-88459494-T-C.
Other names: p.Leu5=; c.15A>G, p.Leu5= (NM_001201401.2); c.117+233A>G (NM_001201402.2).
Identifiers: ClinVar variation 788580 (VCV000788580.21), dbSNP rs529350155, ClinGen allele CA7297535.
Genomic context (GRCh38, chr14:87,993,150, plus strand): 5'-GCCCGCCGAACCCGCGGCCGCAGTCATAGCTTTCGCTCGGCGTTGCCAGGAAGCCGAGAG[T>C]AGCCACTCAGCCATTGTGTGGGTCACATGACTCCGGCGCCCAGGGAGGCGGGTCCCGTCG-3'
Protein context (NP_000144.2, residues 1-15): MAEW[Leu5=]LSASWQRRAK

ClinVar aggregate classification (germline): Likely benign. Review status: criteria provided, multiple submitters, no conflicts (2 of 4 stars). 5 submissions from 5 submitters: Likely benign (3). 2 of the submissions do not count toward it. Last evaluated 2026-01-26.

Conditions:
GALC-related disorder. Also called: GALC-related condition.
Galactosylceramide beta-galactosidase deficiency. Also called: Krabbe Disease; GALACTOCEREBROSIDASE DEFICIENCY; GALC DEFICIENCY; GLOBOID CELL LEUKOENCEPHALOPATHY; Leukodystrophy, Globoid Cell. Identifiers: Orphanet 487, MedGen C0023521, MONDO:0009499, OMIM 245200.

Allele frequency attached by ClinVar (database versions not stated): gnomAD 0.00088 and 0.00083; 1000 Genomes Project 30x 0.00094; 1000 Genomes Project 0.00140; gnomAD exomes 0.00006 and 0.00011; ExAC 0.00018; TOPMed 0.00081.
gnomAD v4.1: 210 of 1,590,696 alleles (0.013%); highest among the groups gnomAD compares: African/African-American, 0.27%; 2 homozygotes.

Submissions (5):

Labcorp Genetics (formerly Invitae), Labcorp
Classification: Likely benign for Galactosylceramide beta-galactosidase deficiency. Last evaluated: 2026-01-26. Review status: criteria provided, single submitter. Criteria: Invitae Variant Classification Sherloc (09022015). Collection method: clinical testing. Allele origin: germline.

Mayo Clinic Laboratories, Mayo Clinic
Classification: Likely benign. Last evaluated: 2025-09-30. Review status: criteria provided, single submitter. Criteria: ACMG Guidelines, 2015. Collection method: clinical testing. Allele origin: germline. Observed: 3 variant alleles.
Comment: BS1, BP4, BP7

CeGaT Center for Human Genetics Tuebingen
Classification: Likely benign. Last evaluated: 2025-03-01. Review status: criteria provided, single submitter. Criteria: CeGaT Center For Human Genetics Tuebingen Variant Classification Criteria Version 2. Collection method: clinical testing. Allele origin: germline. Affected: yes. Observed: 1 variant allele.
Comment: GALC: BP4, BP7

PreventionGenetics, part of Exact Sciences
Classification: Likely benign for GALC-related condition. Last evaluated: 2024-09-03. Review status: no assertion criteria provided. Collection method: clinical testing. Allele origin: germline. Not counted in ClinVar's aggregate classification.
Comment: This variant is classified as likely benign based on ACMG/AMP sequence variant interpretation guidelines (Richards et al. 2015 PMID: 25741868, with internal and published modifications).

Natera, Inc.
Classification: Likely benign for Galactosylceramide beta-galactosidase deficiency. Last evaluated: 2020-09-16. Review status: no assertion criteria provided. Collection method: clinical testing. Allele origin: germline. Not counted in ClinVar's aggregate classification.